The following is an entry in ClinVar:

NM_183235.3(RAB27A):c.*1493T>A

Gene: RAB27A (RAB27A, member RAS oncogene family; minus strand). Cytogenetic location: 15q21.3.
Variant type: single nucleotide variant.
Coding change: c.*1493T>A on transcript NM_183235.3 (MANE Select); 1493 bases downstream of the stop codon, T replaced by A.
Molecular consequence: 3 prime UTR variant.
Genome position (GRCh38, 1-based): chr15:55,204,014, A>T on the plus strand (T>A on the coding strand, the complement: RAB27A is on the minus strand). VCF-style: chr15-55204014-A-T. GRCh37 (hg19) VCF-style: chr15-55496212-A-T.
Other names: c.*1493T>A (NM_004580.5, NM_183234.3, NM_183236.3).
Identifiers: ClinVar variation 886825 (VCV000886825.4), dbSNP rs149948399, ClinGen allele CA271241965.

ClinVar aggregate classification (germline): Likely benign (1 of 4 stars; one submission).

Conditions:
Griscelli syndrome type 2 (GS2). Also called: GRISCELLI SYNDROME WITH HEMOPHAGOCYTIC SYNDROME; PAID SYNDROME; PARTIAL ALBINISM AND IMMUNODEFICIENCY SYNDROME. Identifiers: Orphanet 381, Orphanet 79477, MedGen C1868679, MONDO:0011872, OMIM 607624.

Allele frequency attached by ClinVar (database versions not stated): TOPMed 0.00145; 1000 Genomes Project 0.00200; 1000 Genomes Project 30x 0.00203.

Submission:

Illumina Laboratory Services, Illumina
Classification: Likely benign for Griscelli syndrome type 2. Last evaluated: 2018-01-13. Review status: criteria provided, single submitter. Criteria: ICSL Variant Classification Criteria 13 December 2019. Collection method: clinical testing. Allele origin: germline.
Comment: This variant was observed in the ICSL laboratory as part of a predisposition screen in an ostensibly healthy population. It had not been previously curated by ICSL or reported in the Human Gene Mutation Database (HGMD: prior to June 1st, 2018), and was therefore a candidate for classification through an automated scoring system. Utilizing variant allele frequency, disease prevalence and penetrance estimates, and inheritance mode, an automated score was calculated to assess if this variant is too frequent to cause the disease. Based on the score and internal cut-off values, a variant classified as likely benign is not then subjected to further curation. The score for this variant resulted in a classification of likely benign for this disease.